The following is an entry in ClinVar:

NM_017780.4(CHD7):c.5689G>T (p.Glu1897Ter)

Gene: CHD7 (chromodomain helicase DNA binding protein 7; plus strand). Cytogenetic location: 8q12.2.
Variant type: single nucleotide variant.
Coding change: c.5689G>T on transcript NM_017780.4 (MANE Select); coding-DNA position 5689, G replaced by T.
Protein change: p.Glu1897Ter; replaces glutamic acid 1897 with a stop codon.
Molecular consequence: nonsense. On other transcripts: intron variant (1).
Genome position (GRCh38, 1-based): chr8:60,852,042, G>T. VCF-style: chr8-60852042-G-T. GRCh37 (hg19) VCF-style: chr8-61764601-G-T.
Other names: c.1717-10187G>T (NM_001316690.1); short protein forms E1897*.
Identifiers: ClinVar variation 2715467 (VCV002715467.3), dbSNP rs766110936, ClinGen allele CA371322391.

ClinVar aggregate classification (germline): Pathogenic (1 of 4 stars; one submission).

Conditions:
CHARGE syndrome (CHARGE). Also called: Hittner Hirsch Kreh syndrome; CHARGE ASSOCIATION--COLOBOMA, HEART ANOMALY, CHOANAL ATRESIA, RETARDATION, GENITAL AND EAR ANOMALIES; Coloboma, heart anomaly, choanal atresia, retardation, genital and ear anomalies; CHARGE association; Hall-Hittner syndrome. Identifiers: Orphanet 138, MedGen C0265354, MONDO:0008965.

Submission:

Labcorp Genetics (formerly Invitae), Labcorp
Classification: Pathogenic for CHARGE syndrome. Last evaluated: 2023-06-15. Review status: criteria provided, single submitter. Criteria: Invitae Variant Classification Sherloc (09022015). Collection method: clinical testing. Allele origin: germline.
Comment: Algorithms developed to predict the effect of sequence changes on RNA splicing suggest that this variant may create or strengthen a splice site. This variant has not been reported in the literature in individuals affected with CHD7-related conditions. This variant is not present in population databases (gnomAD no frequency). This sequence change creates a premature translational stop signal (p.Glu1897*) in the CHD7 gene. It is expected to result in an absent or disrupted protein product. Loss-of-function variants in CHD7 are known to be pathogenic (PMID: 22461308, 25077900). For these reasons, this variant has been classified as Pathogenic.

Literature cited by the submitters: PubMed 22461308; PubMed 25077900.